The following is an entry in ClinVar:

ClinVar aggregate classification (germline): Likely pathogenic (1 of 4 stars; one submission).

Conditions:
Neuronopathy, distal hereditary motor, autosomal recessive 4. Also called: NEUROPATHY, DISTAL HEREDITARY MOTOR, AUTOSOMAL RECESSIVE 4; Autosomal recessive lower motor neuron disease with childhood onset. Identifiers: Orphanet 206580, MedGen C1970211, MONDO:0012608, OMIM 611067.
Charcot-Marie-Tooth disease recessive intermediate C. Also called: CHARCOT-MARIE-TOOTH NEUROPATHY, RECESSIVE INTERMEDIATE C. Identifiers: Orphanet 369867, MedGen C3809309, MONDO:0014154, OMIM 615376.

Submissions (2):

Labcorp Genetics (formerly Invitae), Labcorp
Classification: Likely pathogenic for Neuronopathy, distal hereditary motor, autosomal recessive 4; Charcot-Marie-Tooth disease recessive intermediate C. Last evaluated: 2026-01-13. Review status: criteria provided, single submitter. Criteria: Invitae Variant Classification Sherloc (09022015). Collection method: clinical testing. Allele origin: germline.
Comment: This sequence change affects a donor splice site in intron 16 of the PLEKHG5 gene. It is expected to disrupt RNA splicing. Variants that disrupt the donor or acceptor splice site typically lead to a loss of protein function (PMID: 16199547), and loss-of-function variants in PLEKHG5 are known to be pathogenic (PMID: 17564964, 23777631). This variant is not present in population databases (gnomAD no frequency). This variant has not been reported in the literature in individuals affected with PLEKHG5-related conditions. Algorithms developed to predict the effect of sequence changes on RNA splicing suggest that this variant may disrupt the consensus splice site. In summary, the currently available evidence indicates that the variant is pathogenic, but additional data are needed to prove that conclusively. Therefore, this variant has been classified as Likely Pathogenic.

Dr. Peter K. Rogan Lab, Western University
No classification provided (evidence only). Condition: Glioma susceptibility 1. Review status: no classification provided. Collection method: in vitro. Allele origin: not applicable. Functional consequence: retained intron. Not counted in ClinVar's aggregate classification.

Literature cited by the submitters: PubMed 16199547 (cited by Labcorp Genetics (formerly Invitae), Labcorp); PubMed 17564964 (cited by Labcorp Genetics (formerly Invitae), Labcorp); PubMed 23777631 (cited by Labcorp Genetics (formerly Invitae), Labcorp).

NM_020631.6(PLEKHG5):c.1800+1G>A

Gene: PLEKHG5 (pleckstrin homology and RhoGEF domain containing G5; minus strand). Cytogenetic location: 1p36.31.
Variant type: single nucleotide variant.
Coding change: c.1800+1G>A on transcript NM_020631.6 (MANE Select); the canonical splice donor site of the intron after coding-DNA position 1800, G replaced by A.
Molecular consequence: splice donor variant.
Genome position (GRCh38, 1-based): chr1:6,470,235, C>T on the plus strand (G>A on the coding strand, the complement: PLEKHG5 is on the minus strand). VCF-style: chr1-6470235-C-T. GRCh37 (hg19) VCF-style: chr1-6530295-C-T.
Other names: NC_000001.10:g.6530295C>T; c.1800+1G>A (NM_198681.4, NM_001265594.3, NM_001042664.2 and 1 more transcripts); c.1911+1G>A (NM_001042663.3, NM_001265592.2); c.2007+1G>A (NM_001265593.2).
Identifiers: ClinVar variation 4458751 (VCV004458751.2).